The following is an entry in ClinVar:

ClinVar aggregate classification (germline): Uncertain significance (1 of 4 stars; one submission).

Submission:

Women's Health and Genetics/Laboratory Corporation of America, LabCorp
Classification: Uncertain significance. Last evaluated: 2022-05-19. Review status: criteria provided, single submitter. Criteria: LabCorp Variant Classification Summary - May 2015. Collection method: clinical testing. Allele origin: germline.
Comment: Variant summary: MID2 c.397T>A (p.Ser133Thr) results in a conservative amino acid change in the encoded protein sequence. Five of five in-silico tools predict a benign effect of the variant on protein function. The variant was absent in 183149 control chromosomes (gnomAD). The available data on variant occurrences in the general population are insufficient to allow any conclusion about variant significance. To our knowledge, no occurrence of c.397T>A in individuals affected with Intellectual Disability, X-Linked 101 and no experimental evidence demonstrating its impact on protein function have been reported. No clinical diagnostic laboratories have submitted clinical-significance assessments for this variant to ClinVar after 2014. Based on the evidence outlined above, the variant was classified as uncertain significance.

NM_012216.4(MID2):c.397T>A (p.Ser133Thr)

Gene: MID2 (midline 2; plus strand). Cytogenetic location: Xq22.3.
Variant type: single nucleotide variant.
Coding change: c.397T>A on transcript NM_012216.4 (MANE Select); coding-DNA position 397, T replaced by A.
Protein change: p.Ser133Thr; replaces serine 133 with threonine.
Molecular consequence: missense variant.
Genome position (GRCh38, 1-based): chrX:107,841,062, T>A. VCF-style: chrX-107841062-T-A. GRCh37 (hg19) VCF-style: chrX-107084292-T-A.
Other names: c.337T>A, p.Ser113Thr (NM_001382751.1, NM_001382752.1); c.397T>A, p.Ser133Thr (NM_052817.3); short protein forms S113T, S133T.
Identifiers: ClinVar variation 1696300 (VCV001696300.1), dbSNP rs2147825821, ClinGen allele CA413895621.